The following is an entry in ClinVar:

ClinVar aggregate classification (germline): Conflicting classifications of pathogenicity. Review status: criteria provided, conflicting classifications (1 of 4 stars). 15 submissions from 15 submitters: Uncertain significance (1); Benign (7); Likely benign (3). 4 of the submissions do not count toward it. Last evaluated 2026-01-31.

Conditions:
Cardiovascular phenotype. Identifiers: MedGen CN230736.
Cardiomyopathy (CMYO). Also called: Cardiomyopathies. Identifiers: Orphanet 167848, MedGen C0878544, MONDO:0004994, HP:0001638. Inheritance: Various modes of inheritance.
Hypertrophic cardiomyopathy 14. Identifiers: MedGen C2750467, MONDO:0013197, OMIM 613251.
Hypertrophic cardiomyopathy. Also called: HYPERTROPHIC MYOCARDIOPATHY. Identifiers: Orphanet 217569, MedGen C0007194, MeSH D002312, MONDO:0005045, HP:0001639.

Allele frequency attached by ClinVar (database versions not stated): ExAC 0.00166; 1000 Genomes Project 0.00319; 1000 Genomes Project 30x 0.00359; gnomAD 0.00529 and 0.00573; ESP Exome Variant Server 0.00577; TOPMed 0.00609.
gnomAD v4.1: 1,632 of 1,614,210 alleles (0.1%); highest among the groups gnomAD compares: African/African-American, 1.8%; 17 homozygotes.

Submissions (15):

Labcorp Genetics (formerly Invitae), Labcorp
Classification: Benign for Hypertrophic cardiomyopathy 14. Last evaluated: 2026-01-31. Review status: criteria provided, single submitter. Criteria: Invitae Variant Classification Sherloc (09022015). Collection method: clinical testing. Allele origin: germline.

ARUP Laboratories, Molecular Genetics and Genomics, ARUP Laboratories
Classification: Likely benign. Last evaluated: 2025-05-15. Review status: criteria provided, single submitter. Criteria: ARUP Molecular Germline Variant Investigation Process 2024. Collection method: clinical testing. Allele origin: germline.

Blueprint Genetics
Classification: Likely benign. Last evaluated: 2024-10-21. Review status: criteria provided, single submitter. Criteria: ACMG Guidelines, 2015. Collection method: clinical testing. Allele origin: germline.

Center for Advanced Laboratory Medicine, UC San Diego Health, University of California San Diego
Classification: Benign for Cardiomyopathy. Last evaluated: 2019-06-03. Review status: criteria provided, single submitter. Criteria: ACMG Guidelines, 2015. Collection method: clinical testing. Allele origin: germline. Affected: yes. Observed: 1 variant allele.

Women's Health and Genetics/Laboratory Corporation of America, LabCorp
Classification: Benign. Last evaluated: 2018-08-06. Review status: criteria provided, single submitter. Criteria: LabCorp Variant Classification Summary - May 2015. Collection method: clinical testing. Allele origin: germline.
Comment: Variant summary: MYH6 c.2579G>A (p.Arg860His) results in a non-conservative amino acid change located in the Myosin tail of the encoded protein sequence. Three of five in-silico tools predict a damaging effect of the variant on protein function. The variant allele was found at a frequency of 0.0017 in 277230 control chromosomes, predominantly at a frequency of 0.017 within the African subpopulation in the gnomAD database, including 3 homozygotes. The observed variant frequency within African control individuals in the gnomAD database is approximately 679.99 fold of the estimated maximal expected allele frequency for a pathogenic variant in MYH6 causing Cardiomyopathy phenotype (2.5e-05), strongly suggesting that the variant is a benign polymorphism found primarily in populations of African origin. Three clinical diagnostic laboratories have submitted clinical-significance assessments for this variant to ClinVar after 2014 without evidence for independent evaluation. All laboratories classified the variant as benign. Based on the evidence outlined above, the variant was classified as benign.

GeneDx
Classification: Benign. Last evaluated: 2016-11-18. Review status: criteria provided, single submitter. Criteria: GeneDx Variant Classification (06012015). Collection method: clinical testing. Allele origin: germline. Affected: yes.
Comment: This variant is considered likely benign or benign based on one or more of the following criteria: it is a conservative change, it occurs at a poorly conserved position in the protein, it is predicted to be benign by multiple in silico algorithms, and/or has population frequency not consistent with disease.

Ambry Genetics
Classification: Benign for Cardiovascular phenotype. Last evaluated: 2016-03-29. Review status: criteria provided, single submitter. Criteria: Ambry Variant Classification Scheme 2023. Collection method: clinical testing. Allele origin: germline.

CHEO Genetics Diagnostic Laboratory, Children's Hospital of Eastern Ontario
Classification: Likely benign for Cardiomyopathy. Last evaluated: 2016-02-26. Review status: criteria provided, single submitter. Criteria: ACMG Guidelines, 2015. Collection method: clinical testing. Allele origin: germline. Study: Canadian Open Genetics Repository.

Biesecker Lab/Clinical Genomics Section, National Institutes of Health
Classification: Benign. Last evaluated: 2013-06-24. Review status: criteria provided, single submitter. Criteria: Ng et al. (Circ Cardiovasc Genet. 2013). Collection method: research. Allele origin: unknown. Observed: 1 variant allele. Study: ClinSeq.
Comment: The study set was not selected for affection status in relation to any cancer. Pathogenicity categories were based on literature curation. See Pubmed ID:23861362 for details.

Medical sequencing

Laboratory for Molecular Medicine, Mass General Brigham Personalized Medicine
Classification: Benign. Last evaluated: 2012-05-10. Review status: criteria provided, single submitter. Criteria: LMM Criteria. Collection method: clinical testing. Allele origin: germline. Observed: 16 variant alleles.
Comment: Arg860His in Exon 21 of MYH6: This variant is not expected to have clinical sign ificance because it has been identified in 1.7% (64/3738) of African American ch romosomes from a broad population by the NHLBI Exome Sequencing Project (dbSNP rs115845031).

Molecular Diagnostic Laboratory for Inherited Cardiovascular Disease, Montreal Heart Institute
Classification: Uncertain significance. Review status: criteria provided, single submitter. Criteria: ACMG Guidelines, 2015. Collection method: clinical testing. Allele origin: germline. Affected: yes.

Clinical Genetics DNA and cytogenetics Diagnostics Lab, Erasmus MC, Erasmus Medical Center
Classification: Benign. Review status: no assertion criteria provided. Collection method: clinical testing. Allele origin: germline. Affected: yes. Study: VKGL Data-share Consensus. Not counted in ClinVar's aggregate classification.

Clinical Genetics, Academic Medical Center
Classification: Benign. Review status: no assertion criteria provided. Collection method: clinical testing. Allele origin: germline. Affected: yes. Study: VKGL Data-share Consensus. Not counted in ClinVar's aggregate classification.

Diagnostic Laboratory, Department of Genetics, University Medical Center Groningen
Classification: Likely benign. Review status: no assertion criteria provided. Collection method: clinical testing. Allele origin: germline. Affected: yes. Study: VKGL Data-share Consensus. Not counted in ClinVar's aggregate classification.

Zaffran Lab, Genetics of Cardiac Diseases Laboratory, Marseille Medical Genetics
Classification: Uncertain significance for hypertrophic cardiomyopathy. Review status: no assertion criteria provided. Collection method: research. Allele origin: unknown. Affected: yes. Not counted in ClinVar's aggregate classification.

NM_002471.4(MYH6):c.2579G>A (p.Arg860His)

Gene: MYH6 (myosin heavy chain 6; minus strand). Cytogenetic location: 14q11.2.
Variant type: single nucleotide variant.
Coding change: c.2579G>A on transcript NM_002471.4 (MANE Select); coding-DNA position 2579, G replaced by A.
Protein change: p.Arg860His; replaces arginine 860 with histidine.
Molecular consequence: missense variant.
Genome position (GRCh38, 1-based): chr14:23,394,174, C>T on the plus strand (G>A on the coding strand, the complement: MYH6 is on the minus strand). VCF-style: chr14-23394174-C-T. GRCh37 (hg19) VCF-style: chr14-23863383-C-T.
Other names: short protein forms R860H.
Identifiers: ClinVar variation 44467 (VCV000044467.38), dbSNP rs115845031, ClinGen allele CA134283.